The following is an entry in ClinVar:

NM_000066.4(C8B):c.967C>T (p.Arg323Trp)

Gene: C8B (complement C8 beta chain; minus strand). Cytogenetic location: 1p32.2.
Variant type: single nucleotide variant.
Coding change: c.967C>T on transcript NM_000066.4 (MANE Select); coding-DNA position 967, C replaced by T.
Protein change: p.Arg323Trp; replaces arginine 323 with tryptophan.
Molecular consequence: missense variant.
Genome position (GRCh38, 1-based): chr1:56,945,959, G>A on the plus strand (C>T on the coding strand, the complement: C8B is on the minus strand). VCF-style: chr1-56945959-G-A. GRCh37 (hg19) VCF-style: chr1-57411632-G-A.
Other names: c.811C>T, p.Arg271Trp (NM_001278543.2); c.781C>T, p.Arg261Trp (NM_001278544.2); short protein forms R261W, R271W, R323W.
Identifiers: ClinVar variation 827971 (VCV000827971.10), dbSNP rs141295453, ClinGen allele CA875796.

ClinVar aggregate classification (germline): Uncertain significance. Review status: criteria provided, multiple submitters, no conflicts (2 of 4 stars). 5 submissions from 5 submitters: Uncertain significance (3). 2 of the submissions do not count toward it. Last evaluated 2025-01-13.

Conditions:
Type II complement component 8 deficiency. Also called: C8 BETA DEFICIENCY; C8B DEFICIENCY; COMPLEMENT COMPONENT 8B DEFICIENCY; COMPLEMENT C8 DEFICIENCY, TYPE II. Identifiers: MedGen C3151080, MONDO:0013421, OMIM 613789.

Allele frequency attached by ClinVar (database versions not stated): 1000 Genomes Project 0.00040; gnomAD 0.00042 and 0.00046; 1000 Genomes Project 30x 0.00047; gnomAD exomes 0.00055 and 0.00064; ExAC 0.00056; TOPMed 0.00056; ESP Exome Variant Server 0.00062.
gnomAD v4.1: 1,000 of 1,614,110 alleles (0.062%); highest among the groups gnomAD compares: Middle Eastern, 0.099%; no homozygotes.

Submissions (5):

Labcorp Genetics (formerly Invitae), Labcorp
Classification: Uncertain significance. Last evaluated: 2025-01-13. Review status: criteria provided, single submitter. Criteria: Invitae Variant Classification Sherloc (09022015). Collection method: clinical testing. Allele origin: germline.
Comment: This sequence change replaces arginine, which is basic and polar, with tryptophan, which is neutral and slightly polar, at codon 323 of the C8B protein (p.Arg323Trp). This variant is present in population databases (rs141295453, gnomAD 0.08%), and has an allele count higher than expected for a pathogenic variant. This variant has not been reported in the literature in individuals affected with C8B-related conditions. ClinVar contains an entry for this variant (Variation ID: 827971). An algorithm developed to predict the effect of missense changes on protein structure and function (PolyPhen-2) suggests that this variant¬†is likely to be tolerated. In summary, the available evidence is currently insufficient to determine the role of this variant in disease. Therefore, it has been classified as a Variant of Uncertain Significance.

Center for Genomics, Ann and Robert H. Lurie Children's Hospital of Chicago
Classification: Uncertain significance for Type II complement component 8 deficiency. Last evaluated: 2021-03-30. Review status: criteria provided, single submitter. Criteria: ACMG Guidelines, 2015. Collection method: clinical testing. Allele origin: germline.
Comment: C8B NM_000066.3 exon 7 p.Arg323Trp (c.967C>T): This variant has not been reported in the literature, but is present in 0.08% (26/30614) of South Asian alleles in the Genome Aggregation Database. This variant amino acid Tryptophan (Trp) is present in the chinchilla and is not well conserved among evolutionarily distant species; this suggests that this variant may not impact the protein. Computational predictive tools for this variant are unclear. In summary, data on this variant is insufficient for disease classification. Therefore, the clinical significance of this variant is uncertain.

Breakthrough Genomics
Classification: Uncertain significance. Review status: criteria provided, single submitter. Criteria: ACMG Guidelines, 2015. Collection method: not provided. Allele origin: germline. Inheritance: Autosomal recessive inheritance. Affected: yes.

Clinical Genetics DNA and cytogenetics Diagnostics Lab, Erasmus MC, Erasmus Medical Center
Classification: Uncertain significance. Review status: no assertion criteria provided. Collection method: clinical testing. Allele origin: germline. Affected: yes. Study: VKGL Data-share Consensus. Not counted in ClinVar's aggregate classification.

Diagnostic Laboratory, Department of Genetics, University Medical Center Groningen
Classification: Uncertain significance. Review status: no assertion criteria provided. Collection method: clinical testing. Allele origin: germline. Affected: yes. Study: VKGL Data-share Consensus. Not counted in ClinVar's aggregate classification.